The following is an entry in ClinVar:

NM_001244008.2(KIF1A):c.4007+8G>A

Gene: KIF1A (kinesin family member 1A; minus strand). Cytogenetic location: 2q37.3.
Variant type: single nucleotide variant.
Coding change: c.4007+8G>A on transcript NM_001244008.2 (MANE Select); 8 bases into the intron after coding-DNA position 4007, G replaced by A.
Molecular consequence: intron variant.
Genome position (GRCh38, 1-based): chr2:240,737,055, C>T on the plus strand (G>A on the coding strand, the complement: KIF1A is on the minus strand). VCF-style: chr2-240737055-C-T. GRCh37 (hg19) VCF-style: chr2-241676472-C-T.
Other names: c.3704+8G>A (NM_001379653.1, NM_001379650.1, NM_001379641.1 and 4 more transcripts); c.3980+8G>A (NM_001379645.1, NM_001379633.1, NM_001379642.1); c.3806+8G>A (NM_001379635.1, NM_001330290.2, NM_001379646.1 and 1 more transcripts); c.3701+8G>A (NM_001379640.1); c.3818+8G>A (NM_001379636.1); c.3956+8G>A (NM_001379632.1); c.3779+8G>A (NM_001379637.1, NM_001379648.1); c.3731+8G>A (NM_001320705.2, NM_001379638.1, NM_001330289.2); and 2 more.
Identifiers: ClinVar variation 464242 (VCV000464242.14), dbSNP rs374380397, ClinGen allele CA2207554.

ClinVar aggregate classification (germline): Likely benign. Review status: criteria provided, single submitter (1 of 4 stars). 2 submissions from 2 submitters: Likely benign (1). 1 of the submissions does not count toward it. Last evaluated 2026-01-26.

Conditions:
KIF1A-related disorder. Also called: KIF1A-related disorders; KIF1A-related condition.
Neuropathy, hereditary sensory, type 2C. Also called: Hereditary sensory and autonomic neuropathy type IIC; KIF1A-Related HSAN2 (HSAN2C). Identifiers: Orphanet 970, MedGen C3280168, MONDO:0013634, OMIM 614213.
Intellectual disability, autosomal dominant 9 (NESCAVS). Also called: NESCAV SYNDROME; KIF1A-Related Neurodevelopmental Disorder. Identifiers: Orphanet 662367, MedGen C5393830, MONDO:0013656, OMIM 614255.
Hereditary spastic paraplegia 30. Identifiers: Orphanet 101010, MedGen C5235139, MONDO:0012476.

Allele frequency attached by ClinVar (database versions not stated): gnomAD exomes 0.00008 and 0.00010; ExAC 0.00009; gnomAD 0.00003; TOPMed 0.00005; ESP Exome Variant Server 0.00008.
gnomAD v4.1: 125 of 1,604,848 alleles (0.0078%); highest among the groups gnomAD compares: Admixed American, 0.03%; no homozygotes.

Submissions (2):

Labcorp Genetics (formerly Invitae), Labcorp
Classification: Likely benign for Hereditary spastic paraplegia 30; Neuropathy, hereditary sensory, type 2C; Intellectual disability, autosomal dominant 9. Last evaluated: 2026-01-26. Review status: criteria provided, single submitter. Criteria: Invitae Variant Classification Sherloc (09022015). Collection method: clinical testing. Allele origin: germline.

PreventionGenetics, part of Exact Sciences
Classification: Likely benign for KIF1A-related condition. Last evaluated: 2023-03-24. Review status: no assertion criteria provided. Collection method: clinical testing. Allele origin: germline. Not counted in ClinVar's aggregate classification.
Comment: This variant is classified as likely benign based on ACMG/AMP sequence variant interpretation guidelines (Richards et al. 2015 PMID: 25741868, with internal and published modifications).